The following is an entry in ClinVar:

ClinVar aggregate classification (germline): Likely pathogenic (1 of 4 stars; one submission).

Conditions:
Inborn genetic diseases. Identifiers: MedGen C0950123, MeSH D030342.

Submission:

Ambry Genetics
Classification: Likely pathogenic for Inborn genetic diseases. Last evaluated: 2025-03-10. Review status: criteria provided, single submitter. Criteria: Ambry Variant Classification Scheme 2023. Collection method: clinical testing. Allele origin: germline.
Comment: The c.7489+2T>C intronic variant results from a T to C substitution two nucleotides after coding exon 18 of the PKD1 gene. Alterations that disrupt the canonical splice site are expected to cause aberrant splicing, resulting in an abnormal protein or a transcript that is subject to nonsense-mediated mRNA decay. This variant was not reported in population-based cohorts in the Genome Aggregation Database (gnomAD). This nucleotide position is highly conserved in available vertebrate species. In silico splice site analysis predicts that this alteration will weaken the native splice donor site. Based on the available evidence, this alteration is classified as likely pathogenic.

NM_001009944.3(PKD1):c.7489+2T>C

Gene: PKD1 (polycystin 1, transient receptor potential channel interacting; minus strand). Cytogenetic location: 16p13.3.
Variant type: single nucleotide variant.
Coding change: c.7489+2T>C on transcript NM_001009944.3 (MANE Select); the canonical splice donor site of the intron after coding-DNA position 7489, T replaced by C.
Molecular consequence: splice donor variant.
Genome position (GRCh38, 1-based): chr16:2,106,396, A>G on the plus strand (T>C on the coding strand, the complement: PKD1 is on the minus strand). VCF-style: chr16-2106396-A-G. GRCh37 (hg19) VCF-style: chr16-2156397-A-G.
Other names: c.7489+2T>C (NM_000296.4).
Identifiers: ClinVar variation 3889315 (VCV003889315.1).
Genomic context (GRCh38, chr16:2,106,396, plus strand): 5'-GGCTCCGTGACGTCACAGAGTCGGGGGATCCCGCTGCTCCCCCCACGCAGGCCTGCACTC[A>G]CCCGTGCATTCGAAGTGCACCTTGGTGGTGAGGGCGTGCACAGCGCCCAGTGGGAAGAGG-3'